The following is an entry in ClinVar:

NM_006922.4(SCN3A):c.167A>C (p.Glu56Ala)

Gene: SCN3A (sodium voltage-gated channel alpha subunit 3; minus strand). Cytogenetic location: 2q24.3.
Variant type: single nucleotide variant.
Coding change: c.167A>C on transcript NM_006922.4 (MANE Select); coding-DNA position 167, A replaced by C.
Protein change: p.Glu56Ala; replaces glutamic acid 56 with alanine.
Molecular consequence: missense variant.
Genome position (GRCh38, 1-based): chr2:165,176,228, T>G on the plus strand (A>C on the coding strand, the complement: SCN3A is on the minus strand). VCF-style: chr2-165176228-T-G. GRCh37 (hg19) VCF-style: chr2-166032738-T-G.
Other names: c.167A>C, p.Glu56Ala (NM_001081676.2, NM_001081677.2); short protein forms E56A.
Identifiers: ClinVar variation 2760220 (VCV002760220.3), dbSNP rs2468565030, ClinGen allele CA349240910.
Genomic context (GRCh38, chr2:165,176,228, plus strand): 5'-GGCTCTGACACCATCTCTGGAGGAATGTCTCCATAAATAAATGGAAGGTTCTTTCCAGCT[T>G]CCAAGTCACTATTTGGCTTTGGTTTGTTCTCATCATCATTATCTTGTTCCTTTTTGGGCT-3'
Protein context (NP_008853.3, residues 46-66): ENKPKPNSDL[Glu56Ala]AGKNLPFIYG

ClinVar aggregate classification (germline): Uncertain significance (1 of 4 stars; one submission).

Submission:

Labcorp Genetics (formerly Invitae), Labcorp
Classification: Uncertain significance. Last evaluated: 2024-10-28. Review status: criteria provided, single submitter. Criteria: Invitae Variant Classification Sherloc (09022015). Collection method: clinical testing. Allele origin: germline.
Comment: This sequence change replaces glutamic acid, which is acidic and polar, with alanine, which is neutral and non-polar, at codon 56 of the SCN3A protein (p.Glu56Ala). This variant is not present in population databases (gnomAD no frequency). This variant has not been reported in the literature in individuals affected with SCN3A-related conditions. Invitae Evidence Modeling of protein sequence and biophysical properties (such as structural, functional, and spatial information, amino acid conservation, physicochemical variation, residue mobility, and thermodynamic stability) indicates that this missense variant is not expected to disrupt SCN3A protein function with a negative predictive value of 95%. In summary, the available evidence is currently insufficient to determine the role of this variant in disease. Therefore, it has been classified as a Variant of Uncertain Significance.